The following is an entry in ClinVar:

ClinVar aggregate classification (germline): Uncertain significance (1 of 4 stars; one submission).

Conditions:
Joubert syndrome. Also called: CEREBELLOPARENCHYMAL DISORDER IV; JOUBERT-BOLTSHAUSER SYNDROME; Familial aplasia of the vermis. Identifiers: Orphanet 475, MedGen C5979921, MONDO:0018772.
Meckel-Gruber syndrome. Also called: DYSENCEPHALIA SPLANCHNOCYSTICA; GRUBER SYNDROME; Dysencephalia splachnocystica. Identifiers: Orphanet 564, MedGen C0265215, MONDO:0018921.

Submission:

Labcorp Genetics (formerly Invitae), Labcorp
Classification: Uncertain significance for Joubert syndrome; Meckel-Gruber syndrome. Last evaluated: 2022-07-26. Review status: criteria provided, single submitter. Criteria: Invitae Variant Classification Sherloc (09022015). Collection method: clinical testing. Allele origin: germline.
Comment: This sequence change replaces arginine, which is basic and polar, with proline, which is neutral and non-polar, at codon 300 of the TCTN1 protein (p.Arg300Pro). This variant is not present in population databases (gnomAD no frequency). This variant has not been reported in the literature in individuals affected with TCTN1-related conditions. Algorithms developed to predict the effect of missense changes on protein structure and function (SIFT, PolyPhen-2, Align-GVGD) all suggest that this variant is likely to be tolerated. In summary, the available evidence is currently insufficient to determine the role of this variant in disease. Therefore, it has been classified as a Variant of Uncertain Significance.

NM_001082538.3(TCTN1):c.899G>C (p.Arg300Pro)

Gene: TCTN1 (tectonic family member 1; plus strand). Cytogenetic location: 12q24.11.
Variant type: single nucleotide variant.
Coding change: c.899G>C on transcript NM_001082538.3 (MANE Select); coding-DNA position 899, G replaced by C.
Protein change: p.Arg300Pro; replaces arginine 300 with proline.
Molecular consequence: missense variant. On other transcripts: non-coding transcript variant (1).
Genome position (GRCh38, 1-based): chr12:110,640,438, G>C. VCF-style: chr12-110640438-G-C. GRCh37 (hg19) VCF-style: chr12-111078243-G-C.
Other names: c.899G>C, p.Arg300Pro (NM_001082537.3, NM_001319680.2); c.731G>C, p.Arg244Pro (NM_001173975.3); c.719G>C, p.Arg240Pro (NM_001173976.2); c.365G>C, p.Arg122Pro (NM_001319681.2); c.857G>C, p.Arg286Pro (NM_024549.6); short protein forms R122P, R244P, R300P, R240P, R286P.
Identifiers: ClinVar variation 1984108 (VCV001984108.4), dbSNP rs746946452, ClinGen allele CA386704653.
Genomic context (GRCh38, chr12:110,640,438, plus strand): 5'-TGCAGGTCCCTATCACTGTTCAGTCCATCGTCATTCAGTCTCTAAATAAAACGCTCACCC[G>C]ACGGGAGGACACTGATGTGCTGCAGCCGACTCTCGTCAACGCTGGACACTTTAGCCTTTG-3'
Protein context (NP_001076007.1, residues 290-310): VIQSLNKTLT[Arg300Pro]REDTDVLQPT